The following is an entry in ClinVar:

ClinVar aggregate classification (germline): Uncertain significance. Review status: criteria provided, multiple submitters, no conflicts (2 of 4 stars). 2 submissions from 2 submitters: Uncertain significance (2). Last evaluated 2022-02-23.

Conditions:
Fraser syndrome 1 (FRASRS1). Also called: CRYPTOPHTHALMOS WITH OTHER MALFORMATIONS. Identifiers: Orphanet 2052, MedGen C4551480, MONDO:0054737, OMIM 219000.

Allele frequency attached by ClinVar (database versions not stated): ExAC 0.00001; gnomAD exomes 0.00001 and 0.00002.
gnomAD v4.1: 8 of 1,611,782 alleles (0.0005%); highest among the groups gnomAD compares: Admixed American, 0.012%; no homozygotes.

Submissions (2):

Fulgent Genetics
Classification: Uncertain significance for Fraser syndrome 1. Last evaluated: 2022-02-23. Review status: criteria provided, single submitter. Criteria: ACMG Guidelines, 2015. Collection method: clinical testing. Allele origin: unknown.

Labcorp Genetics (formerly Invitae), Labcorp
Classification: Uncertain significance. Last evaluated: 2021-11-08. Review status: criteria provided, single submitter. Criteria: Invitae Variant Classification Sherloc (09022015). Collection method: clinical testing. Allele origin: germline.
Comment: This sequence change replaces arginine, which is basic and polar, with serine, which is neutral and polar, at codon 3529 of the FRAS1 protein (p.Arg3529Ser). This variant is present in population databases (rs775451018, gnomAD 0.02%). This variant has not been reported in the literature in individuals affected with FRAS1-related conditions. Algorithms developed to predict the effect of missense changes on protein structure and function are either unavailable or do not agree on the potential impact of this missense change (SIFT: "Deleterious"; PolyPhen-2: "Probably Damaging"; Align-GVGD: "Class C0"). In summary, the available evidence is currently insufficient to determine the role of this variant in disease. Therefore, it has been classified as a Variant of Uncertain Significance.

NM_025074.7(FRAS1):c.10587A>C (p.Arg3529Ser)

Gene: FRAS1 (Fraser extracellular matrix complex subunit 1; plus strand). Cytogenetic location: 4q21.21.
Variant type: single nucleotide variant.
Coding change: c.10587A>C on transcript NM_025074.7 (MANE Select); coding-DNA position 10587, A replaced by C.
Protein change: p.Arg3529Ser; replaces arginine 3529 with serine.
Molecular consequence: missense variant.
Genome position (GRCh38, 1-based): chr4:78,521,569, A>C. VCF-style: chr4-78521569-A-C. GRCh37 (hg19) VCF-style: chr4-79442723-A-C.
Other names: short protein forms R3529S.
Identifiers: ClinVar variation 1468370 (VCV001468370.4), dbSNP rs775451018, ClinGen allele CA2979012.